The following is an entry in ClinVar:

NM_004281.4(BAG3):c.898G>A (p.Asp300Asn)

Gene: BAG3 (BAG cochaperone 3; plus strand). Cytogenetic location: 10q26.11.
Variant type: single nucleotide variant.
Coding change: c.898G>A on transcript NM_004281.4 (MANE Select); coding-DNA position 898, G replaced by A.
Protein change: p.Asp300Asn; replaces aspartic acid 300 with asparagine.
Molecular consequence: missense variant.
Genome position (GRCh38, 1-based): chr10:119,672,645, G>A. VCF-style: chr10-119672645-G-A. GRCh37 (hg19) VCF-style: chr10-121432157-G-A.
Other names: p.D300N:GAC>AAC; short protein forms D300N.
Identifiers: ClinVar variation 201676 (VCV000201676.49), dbSNP rs78439745, ClinGen allele CA308215.
Genomic context (GRCh38, chr10:119,672,645, plus strand): 5'-CCAGCCAGGAGCAGCACGCCACTCCACTCCCCCTCGCCCATCCGTGTGCACACCGTGGTC[G>A]ACAGGCCTCAGGTACGGGAAGTTAGTCGTCAGCAGACTGGTTATGGTGGTATGTCTCCAG-3'
Protein context (NP_004272.2, residues 290-310): PSPIRVHTVV[Asp300Asn]RPQQPMTHRE

ClinVar aggregate classification (germline): Benign/Likely benign. Review status: criteria provided, multiple submitters, no conflicts (2 of 4 stars). 11 submissions from 11 submitters: Benign (5); Likely benign (2). 4 of the submissions do not count toward it. Last evaluated 2026-08-01.

Conditions:
BAG3-related disorder. Also called: BAG3-related condition.
Cardiovascular phenotype. Identifiers: MedGen CN230736.
Dilated cardiomyopathy 1HH (CMD1HH). Identifiers: Orphanet 154, MedGen C3151293, MONDO:0013479, OMIM 613881.
Myofibrillar myopathy 6. Identifiers: Orphanet 199340, MedGen C2751831, MONDO:0013061, OMIM 612954.

Allele frequency attached by ClinVar (database versions not stated): gnomAD 0.00026 and 0.00041; TOPMed 0.00045; 1000 Genomes Project 30x 0.00062; gnomAD exomes 0.00073 and 0.00086; 1000 Genomes Project 0.00080; ExAC 0.00086.

Submissions (11):

CeGaT Center for Human Genetics Tuebingen
Classification: Benign. Last evaluated: 2026-08-01. Review status: criteria provided, single submitter. Criteria: CeGaT Center For Human Genetics Tuebingen Variant Classification Criteria Version 2. Collection method: clinical testing. Allele origin: germline. Affected: yes. Observed: 3 variant alleles.
Comment: BAG3: BP4, BS1, BS2

Labcorp Genetics (formerly Invitae), Labcorp
Classification: Benign for Dilated cardiomyopathy 1HH; Myofibrillar myopathy 6. Last evaluated: 2026-01-27. Review status: criteria provided, single submitter. Criteria: Invitae Variant Classification Sherloc (09022015). Collection method: clinical testing. Allele origin: germline.

Mayo Clinic Laboratories, Mayo Clinic
Classification: Benign. Last evaluated: 2025-09-30. Review status: criteria provided, single submitter. Criteria: ACMG Guidelines, 2015. Collection method: clinical testing. Allele origin: germline. Observed: 1 variant allele.
Comment: BA1, BP4_moderate, BP5

Molecular Diagnostic Laboratory for Inherited Cardiovascular Disease, Montreal Heart Institute
Classification: Likely benign. Last evaluated: 2025-04-09. Review status: criteria provided, single submitter. Criteria: ACMG Guidelines, 2015. Collection method: clinical testing. Allele origin: germline. Affected: no.

GeneDx
Classification: Benign. Last evaluated: 2019-05-15. Review status: criteria provided, single submitter. Criteria: GeneDx Variant Classification Process June 2021. Collection method: clinical testing. Allele origin: germline. Affected: yes.
Comment: This variant is associated with the following publications: (PMID: 27527004, 21898660, 30847666)

Women's Health and Genetics/Laboratory Corporation of America, LabCorp
Classification: Benign. Last evaluated: 2017-08-03. Review status: criteria provided, single submitter. Criteria: LabCorp Variant Classification Summary - May 2015. Collection method: clinical testing. Allele origin: germline.
Comment: Variant summary: The BAG3 c.898G>A (p.Asp300Asn) variant involves the alteration of a conserved nucleotide. 2/4 in silico tools predict a benign outcome for this variant (SNPsandGO not captured due to low reliability index). This variant was found in 104/120524 control chromosomes (1 homozygote) from ExAC at a frequency of 0.0008629, which is approximately 22 times the estimated maximal expected allele frequency of a pathogenic BAG3 variant (0.0000391), suggesting this variant is likely a benign polymorphism. In addition, multiple clinical diagnostic laboratories have classified this variant as likely benign/benign. To our knowledge, this variant has not been reported in affected individuals via publications. Taken together, this variant is classified as benign.

Ambry Genetics
Classification: Likely benign for Cardiovascular phenotype. Last evaluated: 2017-06-20. Review status: criteria provided, single submitter. Criteria: Ambry Variant Classification Scheme 2023. Collection method: clinical testing. Allele origin: germline.

PreventionGenetics, part of Exact Sciences
Classification: Benign for BAG3-related condition. Last evaluated: 2020-11-07. Review status: no assertion criteria provided. Collection method: clinical testing. Allele origin: germline. Not counted in ClinVar's aggregate classification.
Comment: This variant is classified as benign based on ACMG/AMP sequence variant interpretation guidelines (Richards et al. 2015 PMID: 25741868, with internal and published modifications).

Clinical Genetics DNA and cytogenetics Diagnostics Lab, Erasmus MC, Erasmus Medical Center
Classification: Likely benign. Review status: no assertion criteria provided. Collection method: clinical testing. Allele origin: germline. Affected: yes. Study: VKGL Data-share Consensus. Not counted in ClinVar's aggregate classification.

Clinical Genetics, Academic Medical Center
Classification: Benign. Review status: no assertion criteria provided. Collection method: clinical testing. Allele origin: germline. Affected: yes. Study: VKGL Data-share Consensus. Not counted in ClinVar's aggregate classification.

Joint Genome Diagnostic Labs from Nijmegen and Maastricht, Radboudumc and MUMC+
Classification: Likely benign. Review status: no assertion criteria provided. Collection method: clinical testing. Allele origin: germline. Affected: yes. Study: VKGL Data-share Consensus. Not counted in ClinVar's aggregate classification.

Literature cited by the submitters: PubMed 21898660 (cited by Ambry Genetics).